The following is an entry in ClinVar:

ClinVar aggregate classification (germline): Uncertain significance (1 of 4 stars; one submission).

Conditions:
ALMS1-related disorder. Also called: ALMS1-related condition.

Submission:

PreventionGenetics, part of Exact Sciences
Classification: Uncertain significance for ALMS1-related condition. Last evaluated: 2025-12-19. Review status: criteria provided, single submitter. Criteria: ACMG Guidelines, 2015. Collection method: clinical testing. Allele origin: germline.
Comment: The ALMS1 c.6118C>G variant is predicted to result in the amino acid substitution p.Gln2040Glu. To our knowledge, this variant has not been reported in the literature. This variant is reported in 0.030% of alleles in individuals of Ashkenazi Jewish descent in gnomAD. At this time, the clinical significance of this variant is uncertain due to the absence of conclusive functional and genetic evidence.

NM_001378454.1(ALMS1):c.6115C>G (p.Pro2039Ala)

Gene: ALMS1 (ALMS1 centrosome and basal body associated protein; plus strand). Cytogenetic location: 2p13.1.
Variant type: single nucleotide variant.
Coding change: c.6115C>G on transcript NM_001378454.1 (MANE Select); coding-DNA position 6115, C replaced by G.
Protein change: p.Pro2039Ala; replaces proline 2039 with alanine.
Molecular consequence: missense variant.
Genome position (GRCh38, 1-based): chr2:73,452,642, C>G. VCF-style: chr2-73452642-C-G. GRCh37 (hg19) VCF-style: chr2-73679769-C-G.
Other names: c.6118C>G, p.Pro2040Ala (NM_015120.4); short protein forms P2039A, P2040A.
Identifiers: ClinVar variation 4977715 (VCV004977715.1).